The following is an entry in ClinVar:

ClinVar aggregate classification (germline): Uncertain significance (1 of 4 stars; one submission).

Conditions:
Peroxisome biogenesis disorder 5A (Zellweger) (PBD5A). Identifiers: Orphanet 912, MedGen C3553940, MONDO:0013932, OMIM 614866.

Allele frequency attached by ClinVar (database versions not stated): gnomAD exomes 0.00001.
gnomAD v4.1: 5 of 1,614,182 alleles (0.00031%); highest among the groups gnomAD compares: Non-Finnish European, 0.00042%; no homozygotes.

Submission:

Labcorp Genetics (formerly Invitae), Labcorp
Classification: Uncertain significance for Peroxisome biogenesis disorder 5A (Zellweger). Last evaluated: 2022-07-01. Review status: criteria provided, single submitter. Criteria: Invitae Variant Classification Sherloc (09022015). Collection method: clinical testing. Allele origin: germline.
Comment: In summary, the available evidence is currently insufficient to determine the role of this variant in disease. Therefore, it has been classified as a Variant of Uncertain Significance. This sequence change replaces leucine, which is neutral and non-polar, with methionine, which is neutral and non-polar, at codon 64 of the PEX2 protein (p.Leu64Met). This variant is present in population databases (no rsID available, gnomAD 0.002%). This variant has not been reported in the literature in individuals affected with PEX2-related conditions. Algorithms developed to predict the effect of missense changes on protein structure and function are either unavailable or do not agree on the potential impact of this missense change (SIFT: "Deleterious"; PolyPhen-2: "Probably Damaging"; Align-GVGD: "Class C0").

NM_000318.3(PEX2):c.190T>A (p.Leu64Met)

Gene: PEX2 (peroxisomal biogenesis factor 2; minus strand). Cytogenetic location: 8q21.13.
Variant type: single nucleotide variant.
Coding change: c.190T>A on transcript NM_000318.3 (MANE Select); coding-DNA position 190, T replaced by A.
Protein change: p.Leu64Met; replaces leucine 64 with methionine.
Molecular consequence: missense variant.
Genome position (GRCh38, 1-based): chr8:76,983,989, A>T on the plus strand (T>A on the coding strand, the complement: PEX2 is on the minus strand). VCF-style: chr8-76983989-A-T. GRCh37 (hg19) VCF-style: chr8-77896225-A-T.
Other names: c.190T>A, p.Leu64Met (NM_001079867.2, NM_001172086.2, NM_001172087.2); short protein forms L64M.
Identifiers: ClinVar variation 1926327 (VCV001926327.5), dbSNP rs1460788564, ClinGen allele CA371557898.